The following is an entry in ClinVar:

NM_001367624.2(ZNF469):c.4320G>C (p.Glu1440Asp)

Gene: ZNF469 (zinc finger protein 469; plus strand). Cytogenetic location: 16q24.2.
Variant type: single nucleotide variant.
Coding change: c.4320G>C on transcript NM_001367624.2 (MANE Select); coding-DNA position 4320, G replaced by C.
Protein change: p.Glu1440Asp; replaces glutamic acid 1440 with aspartic acid.
Molecular consequence: missense variant.
Genome position (GRCh38, 1-based): chr16:88,431,790, G>C. VCF-style: chr16-88431790-G-C. GRCh37 (hg19) VCF-style: chr16-88498198-G-C.
Other names: short protein forms E1440D.
Identifiers: ClinVar variation 2811820 (VCV002811820.3), dbSNP rs374090900, ClinGen allele CA397091034.

ClinVar aggregate classification (germline): Uncertain significance (1 of 4 stars; one submission).

Submission:

Labcorp Genetics (formerly Invitae), Labcorp
Classification: Uncertain significance. Last evaluated: 2022-11-10. Review status: criteria provided, single submitter. Criteria: Invitae Variant Classification Sherloc (09022015). Collection method: clinical testing. Allele origin: germline.
Comment: This variant is not present in population databases (gnomAD no frequency). This variant has not been reported in the literature in individuals affected with ZNF469-related conditions. Algorithms developed to predict the effect of missense changes on protein structure and function output the following: SIFT: "Tolerated"; PolyPhen-2: "Benign"; Align-GVGD: "Class C0". The aspartic acid amino acid residue is found in multiple mammalian species, which suggests that this missense change does not adversely affect protein function. In summary, the available evidence is currently insufficient to determine the role of this variant in disease. Therefore, it has been classified as a Variant of Uncertain Significance. This sequence change replaces glutamic acid, which is acidic and polar, with aspartic acid, which is acidic and polar, at codon 1412 of the ZNF469 protein (p.Glu1412Asp).